The following is an entry in ClinVar:

ClinVar aggregate classification (germline): Uncertain significance (1 of 4 stars; one submission).

Conditions:
Chopra-Amiel-Gordon syndrome (CAGS). Also called: ANKRD17-Related Neurodevelopmental Syndrome. Identifiers: MedGen C5561975, MONDO:0859186, OMIM 619504.

Allele frequency attached by ClinVar (database versions not stated): gnomAD exomes below 0.00001.
gnomAD v4.1: 1 of 1,610,676 alleles (0.000062%); highest among the groups gnomAD compares: Non-Finnish European, 0.000085%; no homozygotes.

Submission:

Institute of Human Genetics, University of Leipzig Medical Center
Classification: Uncertain significance for Chopra-Amiel-Gordon syndrome. Last evaluated: 2023-04-06. Review status: criteria provided, single submitter. Criteria: ACMG Guidelines, 2015. Collection method: clinical testing. Allele origin: unknown. Affected: yes.
Comment: _x000D_ Criteria applied: PM2_SUP, PP2

NM_032217.5(ANKRD17):c.7799A>G (p.Asn2600Ser)

Gene: ANKRD17 (ankyrin repeat domain 17; minus strand). Cytogenetic location: 4q13.3.
Variant type: single nucleotide variant.
Coding change: c.7799A>G on transcript NM_032217.5 (MANE Select); coding-DNA position 7799, A replaced by G.
Protein change: p.Asn2600Ser; replaces asparagine 2600 with serine.
Molecular consequence: missense variant.
Genome position (GRCh38, 1-based): chr4:73,076,244, T>C on the plus strand (A>G on the coding strand, the complement: ANKRD17 is on the minus strand). VCF-style: chr4-73076244-T-C. GRCh37 (hg19) VCF-style: chr4-73941961-T-C.
Other names: c.7460A>G, p.Asn2487Ser (NM_001286771.3); c.7796A>G, p.Asn2599Ser (NM_015574.2); c.7046A>G, p.Asn2349Ser (NM_198889.3); short protein forms N2349S, N2487S, N2599S, N2600S.
Identifiers: ClinVar variation 2502359 (VCV002502359.1), dbSNP rs2530008604, ClinGen allele CA357201695.